The following is an entry in ClinVar:

ClinVar aggregate classification (germline): Pathogenic (1 of 4 stars; one submission).

Submission:

Labcorp Genetics (formerly Invitae), Labcorp
Classification: Pathogenic. Last evaluated: 2022-03-21. Review status: criteria provided, single submitter. Criteria: Invitae Variant Classification Sherloc (09022015). Collection method: clinical testing. Allele origin: germline.
Comment: This sequence change creates a premature translational stop signal (p.Asp812Glufs*54) in the ABCC8 gene. It is expected to result in an absent or disrupted protein product. Loss-of-function variants in ABCC8 are known to be pathogenic (PMID: 20685672, 23345197). This variant is not present in population databases (gnomAD no frequency). This variant has not been reported in the literature in individuals affected with ABCC8-related conditions. For these reasons, this variant has been classified as Pathogenic.

Literature cited by the submitters: PubMed 20685672; PubMed 23345197.

NM_000352.6(ABCC8):c.2431_2435dup (p.Asp812fs)

Genes: ABCC8 (ATP binding cassette subfamily C member 8; minus strand), LOC110121471 (VISTA enhancer hs1977; plus strand). Cytogenetic location: 11p15.1.
Variant type: Duplication.
Coding change: c.2431_2435dup on transcript NM_000352.6 (MANE Select); coding-DNA positions 2431 to 2435, 5 bases duplicated (ATCGA; older notation c.2431_2435dupATCGA).
Protein change: p.Asp812fs; shifts the reading frame from aspartic acid 812.
Molecular consequence: frameshift variant. On other transcripts: non-coding transcript variant (1).
Genome position (GRCh38, 1-based): chr11:17,413,434-17,413,438, TCGAT duplicated on the plus strand (ATCGA on the coding strand, the reverse complement: ABCC8 is on the minus strand). VCF-style (leftmost placement, unchanged base first): chr11-17413433-G-GTCGAT. GRCh37 (hg19) VCF-style: chr11-17434980-G-GTCGAT.
Other names: c.2434_2438dup, p.Asp813fs (NM_001287174.3); c.2497_2501dup, p.Asp834fs (NM_001351295.2); c.2431_2435dup, p.Asp812fs (NM_001351296.2); c.2428_2432dup, p.Asp811fs (NM_001351297.2); short protein forms D811fs, D812fs, D813fs, D834fs.
Identifiers: ClinVar variation 2115463 (VCV002115463.4), dbSNP rs2496578365, ClinGen allele CA2580082742.